The following is an entry in ClinVar:

NM_017763.6(RNF43):c.1894A>G (p.Ile632Val)

Gene: RNF43 (ring finger protein 43; minus strand). Cytogenetic location: 17q22.
Variant type: single nucleotide variant.
Coding change: c.1894A>G on transcript NM_017763.6 (MANE Select); coding-DNA position 1894, A replaced by G.
Protein change: p.Ile632Val; replaces isoleucine 632 with valine.
Molecular consequence: missense variant.
Genome position (GRCh38, 1-based): chr17:58,357,882, T>C on the plus strand (A>G on the coding strand, the complement: RNF43 is on the minus strand). VCF-style: chr17-58357882-T-C. GRCh37 (hg19) VCF-style: chr17-56435243-T-C.
Other names: c.1894A>G, p.Ile632Val (NM_001305544.3); c.1513A>G, p.Ile505Val (NM_001305545.2); short protein forms I632V, I505V.
Identifiers: ClinVar variation 2885901 (VCV002885901.5), dbSNP rs1401545649, ClinGen allele CA400387043.

ClinVar aggregate classification (germline): Uncertain significance. Review status: criteria provided, multiple submitters, no conflicts (2 of 4 stars). 3 submissions from 3 submitters: Uncertain significance (3). Last evaluated 2025-07-28.

Allele frequency attached by ClinVar (database versions not stated): gnomAD 0.00001; TOPMed 0.00002.
gnomAD v4.1: 16 of 1,613,896 alleles (0.00099%); highest among the groups gnomAD compares: East Asian, 0.0045%; no homozygotes.

Submissions (3):

Ambry Genetics
Classification: Uncertain significance. Last evaluated: 2025-07-28. Review status: criteria provided, single submitter. Criteria: Ambry Variant Classification Scheme 2023. Collection method: clinical testing. Allele origin: germline.
Comment: The p.I632V variant (also known as c.1894A>G), located in coding exon 8 of the RNF43 gene, results from an A to G substitution at nucleotide position 1894. The isoleucine at codon 632 is replaced by valine, an amino acid with highly similar properties. This amino acid position is conserved. In addition, this alteration is predicted to be tolerated by in silico analysis. Based on the available evidence, the clinical significance of this variant remains unclear.

Labcorp Genetics (formerly Invitae), Labcorp
Classification: Uncertain significance. Last evaluated: 2023-11-04. Review status: criteria provided, single submitter. Criteria: Invitae Variant Classification Sherloc (09022015). Collection method: clinical testing. Allele origin: germline.
Comment: This sequence change replaces isoleucine, which is neutral and non-polar, with valine, which is neutral and non-polar, at codon 632 of the RNF43 protein (p.Ile632Val). This variant is present in population databases (no rsID available, gnomAD 0.003%). This variant has not been reported in the literature in individuals affected with RNF43-related conditions. An algorithm developed to predict the effect of missense changes on protein structure and function (PolyPhen-2) suggests that this variant is likely to be tolerated. In summary, the available evidence is currently insufficient to determine the role of this variant in disease. Therefore, it has been classified as a Variant of Uncertain Significance.

GeneDx
Classification: Uncertain significance. Last evaluated: 2023-04-18. Review status: criteria provided, single submitter. Criteria: GeneDx Variant Classification Process June 2021. Collection method: clinical testing. Allele origin: germline. Affected: yes.
Comment: Not observed at significant frequency in large population cohorts (gnomAD); In silico analysis supports that this missense variant does not alter protein structure/function; Has not been previously published as pathogenic or benign to our knowledge; Variants in candidate genes are classified as variants of uncertain significance in accordance with ACMG guidelines (Richards et al., 2015)